The following is an entry in ClinVar:

NM_031935.3(HMCN1):c.2666C>T (p.Ala889Val)

Gene: HMCN1 (hemicentin 1; plus strand). Cytogenetic location: 1q31.1.
Variant type: single nucleotide variant.
Coding change: c.2666C>T on transcript NM_031935.3 (MANE Select); coding-DNA position 2666, C replaced by T.
Protein change: p.Ala889Val; replaces alanine 889 with valine.
Molecular consequence: missense variant.
Genome position (GRCh38, 1-based): chr1:185,982,265, C>T. VCF-style: chr1-185982265-C-T. GRCh37 (hg19) VCF-style: chr1-185951397-C-T.
Other names: short protein forms A889V.
Identifiers: ClinVar variation 4676380 (VCV004676380.2).
Genomic context (GRCh38, chr1:185,982,265, plus strand): 5'-TTACCTTTCTTTTGGGTGAAATAGAGTTGAAAGTGCCTGTGCTCTCTCTTGATTTAGTTG[C>T]TCCACTTATTGGAATCAGCCCTTCAGTGGCCAATGTTATTGAAGGACAGCAGCTTACTTT-3'
Protein context (NP_114141.2, residues 879-899): ETTVTVTGLV[Ala889Val]PLIGISPSVA

ClinVar aggregate classification (germline): Uncertain significance. Review status: criteria provided, multiple submitters, no conflicts (2 of 4 stars). 2 submissions from 2 submitters: Uncertain significance (2). Last evaluated 2025-09-22.

gnomAD v4.1: 12 of 1,613,830 alleles (0.00074%); highest among the groups gnomAD compares: South Asian, 0.0066%; no homozygotes.

Submissions (2):

Ambry Genetics
Classification: Uncertain significance. Last evaluated: 2025-09-22. Review status: criteria provided, single submitter. Criteria: Ambry Variant Classification Scheme 2023. Collection method: clinical testing. Allele origin: germline.

Labcorp Genetics (formerly Invitae), Labcorp
Classification: Uncertain significance. Last evaluated: 2025-06-24. Review status: criteria provided, single submitter. Criteria: Invitae Variant Classification Sherloc (09022015). Collection method: clinical testing. Allele origin: germline.
Comment: This sequence change replaces alanine, which is neutral and non-polar, with valine, which is neutral and non-polar, at codon 889 of the HMCN1 protein (p.Ala889Val). This variant is present in population databases (no rsID available, gnomAD 0.006%). This variant has not been reported in the literature in individuals affected with HMCN1-related conditions. An algorithm developed to predict the effect of missense changes on protein structure and function (PolyPhen-2) suggests that this variant is likely to be disruptive. In summary, the available evidence is currently insufficient to determine the role of this variant in disease. Therefore, it has been classified as a Variant of Uncertain Significance.